The following is an entry in ClinVar:

NM_001145715.3(KPNA7):c.1244T>C (p.Leu415Pro)

Gene: KPNA7 (karyopherin subunit alpha 7; minus strand). Cytogenetic location: 7q22.1.
Variant type: single nucleotide variant.
Coding change: c.1244T>C on transcript NM_001145715.3 (MANE Select); coding-DNA position 1244, T replaced by C.
Protein change: p.Leu415Pro; replaces leucine 415 with proline.
Molecular consequence: missense variant.
Genome position (GRCh38, 1-based): chr7:99,181,956, A>G on the plus strand (T>C on the coding strand, the complement: KPNA7 is on the minus strand). VCF-style: chr7-99181956-A-G. GRCh37 (hg19) VCF-style: chr7-98779579-A-G.
Other names: short protein forms L415P.
Identifiers: ClinVar variation 2040670 (VCV002040670.2), dbSNP rs1290566184, ClinGen allele CA368417996.
Genomic context (GRCh38, chr7:99,181,956, plus strand): 5'-GAGATGACATCAAGGATGATGAGAACAATTTTAACATCTGGGGCAGTGAGCAGATTCACC[A>G]GTGGCTCCAGGACCCCAGAGTGGACGAGCTGGATCAGCTGATCCATGGTGGCCCCTGTTG-3'
Protein context (NP_001139187.1, residues 405-425): QLVHSGVLEP[Leu415Pro]VNLLTAPDVK

ClinVar aggregate classification (germline): Uncertain significance (1 of 4 stars; one submission).

Allele frequency attached by ClinVar (database versions not stated): gnomAD 0.00005; gnomAD exomes 0.00009.
gnomAD v4.1: 56 of 1,551,424 alleles (0.0036%); highest among the groups gnomAD compares: Non-Finnish European, 0.00052%; no homozygotes.

Submission:

Labcorp Genetics (formerly Invitae), Labcorp
Classification: Uncertain significance. Last evaluated: 2022-04-07. Review status: criteria provided, single submitter. Criteria: Invitae Variant Classification Sherloc (09022015). Collection method: clinical testing. Allele origin: germline.
Comment: This sequence change replaces leucine, which is neutral and non-polar, with proline, which is neutral and non-polar, at codon 415 of the KPNA7 protein (p.Leu415Pro). This variant is present in population databases (no rsID available, gnomAD 0.06%). This variant has not been reported in the literature in individuals affected with KPNA7-related conditions. Algorithms developed to predict the effect of missense changes on protein structure and function (SIFT, PolyPhen-2, Align-GVGD) all suggest that this variant is likely to be disruptive. In summary, the available evidence is currently insufficient to determine the role of this variant in disease. Therefore, it has been classified as a Variant of Uncertain Significance.